The following is an entry in ClinVar:

ClinVar aggregate classification (germline): Uncertain significance (1 of 4 stars; one submission).

Submission:

GeneDx
Classification: Uncertain significance. Last evaluated: 2023-01-04. Review status: criteria provided, single submitter. Criteria: GeneDx Variant Classification Process June 2021. Collection method: clinical testing. Allele origin: germline. Affected: yes.
Comment: Not observed at significant frequency in large population cohorts (gnomAD); In silico analysis supports that this missense variant has a deleterious effect on protein structure/function; Has not been previously published as pathogenic or benign to our knowledge

NM_001958.5(EEF1A2):c.1190G>C (p.Gly397Ala)

Gene: EEF1A2 (eukaryotic translation elongation factor 1 alpha 2; minus strand). Cytogenetic location: 20q13.33.
Variant type: single nucleotide variant.
Coding change: c.1190G>C on transcript NM_001958.5 (MANE Select); coding-DNA position 1190, G replaced by C.
Protein change: p.Gly397Ala; replaces glycine 397 with alanine.
Molecular consequence: missense variant.
Genome position (GRCh38, 1-based): chr20:63,488,992, C>G on the plus strand (G>C on the coding strand, the complement: EEF1A2 is on the minus strand). VCF-style: chr20-63488992-C-G. GRCh37 (hg19) VCF-style: chr20-62120345-C-G.
Other names: short protein forms G397A.
Identifiers: ClinVar variation 2571833 (VCV002571833.1), dbSNP rs2145938753, ClinGen allele CA409644337.